The following is an entry in ClinVar:

NM_002230.4(JUP):c.1556A>T (p.Gln519Leu)

Gene: JUP (junction plakoglobin; minus strand). Cytogenetic location: 17q21.2.
Variant type: single nucleotide variant.
Coding change: c.1556A>T on transcript NM_002230.4 (MANE Select); coding-DNA position 1556, A replaced by T.
Protein change: p.Gln519Leu; replaces glutamine 519 with leucine.
Molecular consequence: missense variant.
Genome position (GRCh38, 1-based): chr17:41,758,812, T>A on the plus strand (A>T on the coding strand, the complement: JUP is on the minus strand). VCF-style: chr17-41758812-T-A. GRCh37 (hg19) VCF-style: chr17-39915064-T-A.
Other names: c.1556A>T, p.Gln519Leu (NM_001352773.2, NM_001352774.2, NM_001352775.2 and 3 more transcripts); short protein forms Q519L.
Identifiers: ClinVar variation 409986 (VCV000409986.8), dbSNP rs1060502677, ClinGen allele CA16615741.

ClinVar aggregate classification (germline): Uncertain significance (1 of 4 stars; one submission).

Conditions:
Naxos disease (NXD). Also called: KERATOSIS PALMOPLANTARIS WITH ARRHYTHMOGENIC CARDIOMYOPATHY; MAL DE NAXOS; PALMOPLANTAR KERATODERMA WITH ARRHYTHMOGENIC RIGHT VENTRICULAR CARDIOMYOPATHY AND WOOLLY HAIR; WOOLLY HAIR, PALMOPLANTAR KERATODERMA, AND CARDIAC ABNORMALITIES; CARDIOMYOPATHY, ARRHYTHMOGENIC RIGHT VENTRICULAR, WITH SKIN, HAIR, AND NAIL ABNORMALITIES. Identifiers: Orphanet 34217, MedGen C1832600, MONDO:0011017, OMIM 601214.
Arrhythmogenic right ventricular dysplasia 12. Also called: ARRHYTHMOGENIC RIGHT VENTRICULAR DYSPLASIA, FAMILIAL, 12. Identifiers: MedGen C1969081, MONDO:0012684, OMIM 611528.

Submission:

Labcorp Genetics (formerly Invitae), Labcorp
Classification: Uncertain significance for Arrhythmogenic right ventricular dysplasia 12; Naxos disease. Last evaluated: 2022-08-15. Review status: criteria provided, single submitter. Criteria: Invitae Variant Classification Sherloc (09022015). Collection method: clinical testing. Allele origin: germline.
Comment: This sequence change replaces glutamine, which is neutral and polar, with leucine, which is neutral and non-polar, at codon 519 of the JUP protein (p.Gln519Leu). This variant is not present in population databases (gnomAD no frequency). This variant has not been reported in the literature in individuals affected with JUP-related conditions. ClinVar contains an entry for this variant (Variation ID: 409986). Algorithms developed to predict the effect of missense changes on protein structure and function (SIFT, PolyPhen-2, Align-GVGD) all suggest that this variant is likely to be tolerated. In summary, the available evidence is currently insufficient to determine the role of this variant in disease. Therefore, it has been classified as a Variant of Uncertain Significance.